The following is an entry in ClinVar:

NM_213653.4(HJV):c.973C>T (p.Gln325Ter)

Gene: HJV (hemojuvelin BMP co-receptor; minus strand). Cytogenetic location: 1q21.1.
Variant type: single nucleotide variant.
Coding change: c.973C>T on transcript NM_213653.4 (MANE Select); coding-DNA position 973, C replaced by T.
Protein change: p.Gln325Ter; replaces glutamine 325 with a stop codon.
Molecular consequence: nonsense.
Genome position (GRCh38, 1-based): chr1:146,018,385, G>A on the plus strand (C>T on the coding strand, the complement: HJV is on the minus strand). VCF-style: chr1-146018385-G-A. GRCh37 (hg19) VCF-style: chr1-145416628-C-T.
Other names: c.295C>T, p.Gln99Ter (NM_001316767.2, NM_202004.4, NM_213652.4); c.973C>T, p.Gln325Ter (NM_001379352.1); c.634C>T, p.Gln212Ter (NM_145277.5); short protein forms Q212*, Q325*, Q99*.
Identifiers: ClinVar variation 4817172 (VCV004817172.1).

ClinVar aggregate classification (germline): Likely pathogenic (1 of 4 stars; one submission).

Conditions:
Hemochromatosis type 2A (HFE2A). Also called: Adult-Onset Hemochromatosis; HJV (HFE2)-Related Juvenile Hemochromatosis. Identifiers: Orphanet 79230, MedGen C1865614, MONDO:0011216, OMIM 602390.

Submission:

Natera, Inc.
Classification: Likely pathogenic for Hemochromatosis type 2A. Last evaluated: 2024-12-30. Review status: criteria provided, single submitter. Criteria: Natera Variant Classification Schema (03/2026). Collection method: clinical testing. Allele origin: germline.
Comment: The c.973C>T variant in HJV is a nonsense variant predicted to introduce a stop codon at amino acid 325. This variant is expected to result in nonsense mediated decay, truncation, or a dysfunctional protein product. This variant is rare in the general population with a frequency below the threshold expected for the associated phenotype(s). Given the available evidence, this variant is classified as Likely Pathogenic.